The following is an entry in ClinVar:

NM_005045.4(RELN):c.1726A>C (p.Ile576Leu)

Gene: RELN (reelin; minus strand). Cytogenetic location: 7q22.1.
Variant type: single nucleotide variant.
Coding change: c.1726A>C on transcript NM_005045.4 (MANE Select); coding-DNA position 1726, A replaced by C.
Protein change: p.Ile576Leu; replaces isoleucine 576 with leucine.
Molecular consequence: missense variant.
Genome position (GRCh38, 1-based): chr7:103,652,588, T>G on the plus strand (A>C on the coding strand, the complement: RELN is on the minus strand). VCF-style: chr7-103652588-T-G. GRCh37 (hg19) VCF-style: chr7-103293035-T-G.
Other names: c.1726A>C, p.Ile576Leu (NM_173054.3); short protein forms I576L.
Identifiers: ClinVar variation 2002915 (VCV002002915.4), dbSNP rs1832943447, ClinGen allele CA368765386.

ClinVar aggregate classification (germline): Uncertain significance (1 of 4 stars; one submission).

Conditions:
Norman-Roberts syndrome (LIS2). Also called: Lissencephaly 2 (Norman-Roberts type). Identifiers: Orphanet 89844, MedGen C0796089, MONDO:0009760, OMIM 257320.
Familial temporal lobe epilepsy 7. Identifiers: Orphanet 101046, MedGen C4225327, MONDO:0014639, OMIM 616436.

Submission:

Labcorp Genetics (formerly Invitae), Labcorp
Classification: Uncertain significance for Familial temporal lobe epilepsy 7; Norman-Roberts syndrome. Last evaluated: 2022-06-07. Review status: criteria provided, single submitter. Criteria: Invitae Variant Classification Sherloc (09022015). Collection method: clinical testing. Allele origin: germline.
Comment: Algorithms developed to predict the effect of missense changes on protein structure and function are either unavailable or do not agree on the potential impact of this missense change (SIFT: "Deleterious"; PolyPhen-2: "Benign"; Align-GVGD: "Class C0"). In summary, the available evidence is currently insufficient to determine the role of this variant in disease. Therefore, it has been classified as a Variant of Uncertain Significance. This sequence change replaces isoleucine, which is neutral and non-polar, with leucine, which is neutral and non-polar, at codon 576 of the RELN protein (p.Ile576Leu). This variant is not present in population databases (gnomAD no frequency). This variant has not been reported in the literature in individuals affected with RELN-related conditions.